The following is an entry in ClinVar:

NM_003356.4(UCP3):c.119G>A (p.Arg40His)

Gene: UCP3 (uncoupling protein 3; minus strand). Cytogenetic location: 11q13.4.
Variant type: single nucleotide variant.
Coding change: c.119G>A on transcript NM_003356.4 (MANE Select); coding-DNA position 119, G replaced by A.
Protein change: p.Arg40His; replaces arginine 40 with histidine.
Molecular consequence: missense variant.
Genome position (GRCh38, 1-based): chr11:74,006,924, C>T on the plus strand (G>A on the coding strand, the complement: UCP3 is on the minus strand). VCF-style: chr11-74006924-C-T. GRCh37 (hg19) VCF-style: chr11-73717969-C-T.
Other names: c.119G>A (NM_003356.3); c.119G>A, p.Arg40His (NM_022803.3); short protein forms R40H.
Identifiers: ClinVar variation 2890199 (VCV002890199.4), dbSNP rs573218240, ClinGen allele CA6181648.

ClinVar aggregate classification (germline): Uncertain significance. Review status: criteria provided, single submitter (1 of 4 stars). 2 submissions from 2 submitters: Uncertain significance (1). 1 of the submissions does not count toward it. Last evaluated 2023-08-02.

Conditions:
UCP3-related disorder. Also called: UCP3-related condition.

Allele frequency attached by ClinVar (database versions not stated): TOPMed 0.00001; gnomAD 0.00005; ExAC 0.00013; 1000 Genomes Project 30x 0.00016; 1000 Genomes Project 0.00020.
gnomAD v4.1: 89 of 1,614,162 alleles (0.0055%); highest among the groups gnomAD compares: South Asian, 0.087%; 1 homozygote.

Submissions (2):

Labcorp Genetics (formerly Invitae), Labcorp
Classification: Uncertain significance. Last evaluated: 2023-08-02. Review status: criteria provided, single submitter. Criteria: Invitae Variant Classification Sherloc (09022015). Collection method: clinical testing. Allele origin: germline.
Comment: In summary, the available evidence is currently insufficient to determine the role of this variant in disease. Therefore, it has been classified as a Variant of Uncertain Significance. Advanced modeling of protein sequence and biophysical properties (such as structural, functional, and spatial information, amino acid conservation, physicochemical variation, residue mobility, and thermodynamic stability) has been performed at Invitae for this missense variant, however the output from this modeling did not meet the statistical confidence thresholds required to predict the impact of this variant on UCP3 protein function. This variant has not been reported in the literature in individuals affected with UCP3-related conditions. This variant is present in population databases (rs573218240, gnomAD 0.08%), and has an allele count higher than expected for a pathogenic variant. This sequence change replaces arginine, which is basic and polar, with histidine, which is basic and polar, at codon 40 of the UCP3 protein (p.Arg40His).

PreventionGenetics, part of Exact Sciences
Classification: Uncertain significance for UCP3-related condition. Last evaluated: 2024-04-05. Review status: no assertion criteria provided. Collection method: clinical testing. Allele origin: germline. Not counted in ClinVar's aggregate classification.
Comment: The UCP3 c.119G>A variant is predicted to result in the amino acid substitution p.Arg40His. To our knowledge, this variant has not been reported in the literature. This variant is reported in 0.091% of alleles in individuals of South Asian descent in gnomAD. Although we suspect that this variant may be benign, at this time, the clinical significance of this variant is uncertain due to the absence of conclusive functional and genetic evidence.